The following is an entry in ClinVar:

ClinVar aggregate classification (germline): Uncertain significance (1 of 4 stars; one submission).

gnomAD v4.1: 5 of 1,551,086 alleles (0.00032%); highest among the groups gnomAD compares: Admixed American, 0.0074%; no homozygotes.

Submission:

GeneDx
Classification: Uncertain significance. Last evaluated: 2026-02-18. Review status: criteria provided, single submitter. Criteria: GeneDx Variant Classification Process June 2021. Collection method: clinical testing. Allele origin: germline.
Comment: Intronic variant directly or indirectly altering the +5 splice site in a gene for which loss of function is a known mechanism of disease, and splice predictors support a deleterious effect; Has not been previously published as pathogenic or benign to our knowledge

NM_015656.2(KIF26A):c.1867+5G>A

Gene: KIF26A (kinesin family member 26A; plus strand). Cytogenetic location: 14q32.33.
Variant type: single nucleotide variant.
Coding change: c.1867+5G>A on transcript NM_015656.2 (MANE Select); 5 bases into the intron after coding-DNA position 1867, G replaced by A.
Molecular consequence: intron variant.
Genome position (GRCh38, 1-based): chr14:104,173,518, G>A. VCF-style: chr14-104173518-G-A. GRCh37 (hg19) VCF-style: chr14-104639855-G-A.
Identifiers: ClinVar variation 4976275 (VCV004976275.1).